The following is an entry in ClinVar:

ClinVar aggregate classification (germline): Pathogenic (1 of 4 stars; one submission).

Conditions:
Joubert syndrome 21 (JBTS21). Identifiers: MedGen C3810212, MONDO:0014288, OMIM 615636.

Submission:

Labcorp Genetics (formerly Invitae), Labcorp
Classification: Pathogenic for Joubert syndrome 21. Last evaluated: 2022-06-18. Review status: criteria provided, single submitter. Criteria: Invitae Variant Classification Sherloc (09022015). Collection method: clinical testing. Allele origin: germline.
Comment: For these reasons, this variant has been classified as Pathogenic. This variant has not been reported in the literature in individuals affected with CSPP1-related conditions. This variant is not present in population databases (gnomAD no frequency). This sequence change creates a premature translational stop signal (p.Glu751*) in the CSPP1 gene. It is expected to result in an absent or disrupted protein product. Loss-of-function variants in CSPP1 are known to be pathogenic (PMID: 24360807, 24360808).

Literature cited by the submitters: PubMed 24360807; PubMed 24360808.

NM_001382391.1(CSPP1):c.2266G>T (p.Glu756Ter)

Gene: CSPP1 (centrosome and spindle pole associated protein 1; plus strand). Cytogenetic location: 8q13.2.
Variant type: single nucleotide variant.
Coding change: c.2266G>T on transcript NM_001382391.1 (MANE Select); coding-DNA position 2266, G replaced by T.
Protein change: p.Glu756Ter; replaces glutamic acid 756 with a stop codon.
Molecular consequence: nonsense.
Genome position (GRCh38, 1-based): chr8:67,158,471, G>T. VCF-style: chr8-67158471-G-T. GRCh37 (hg19) VCF-style: chr8-68070706-G-T.
Other names: c.1216G>T, p.Glu406Ter (NM_001291339.2); c.2185G>T, p.Glu729Ter (NM_001363131.2); c.2071G>T, p.Glu691Ter (NM_001363132.2); c.1990G>T, p.Glu664Ter (NM_001363133.2); c.2332G>T, p.Glu778Ter (NM_001364869.1); c.2152G>T, p.Glu718Ter (NM_001364870.1); c.2251G>T, p.Glu751Ter (NM_024790.7); short protein forms E406*, E718*, E729*, E751*, E664*, E756*, E691*, E778*.
Identifiers: ClinVar variation 2008008 (VCV002008008.4), dbSNP rs867666521, ClinGen allele CA371188407.